The following is an entry in ClinVar:

NM_000214.3(JAG1):c.1720+3A>G

Gene: JAG1 (jagged canonical Notch ligand 1; minus strand). Cytogenetic location: 20p12.2.
Variant type: single nucleotide variant.
Coding change: c.1720+3A>G on transcript NM_000214.3 (MANE Select); 3 bases into the intron after coding-DNA position 1720, A replaced by G.
Molecular consequence: intron variant.
Genome position (GRCh38, 1-based): chr20:10,647,957, T>C on the plus strand (A>G on the coding strand, the complement: JAG1 is on the minus strand). VCF-style: chr20-10647957-T-C. GRCh37 (hg19) VCF-style: chr20-10628605-T-C.
Other names: c.1720+3A>G (LRG_1191t1).
Identifiers: ClinVar variation 468656 (VCV000468656.6), dbSNP rs1555828541, ClinGen allele CA658656793.

ClinVar aggregate classification (germline): Uncertain significance (1 of 4 stars; one submission).

Conditions:
Alagille syndrome due to a JAG1 point mutation. Also called: HEPATIC DUCTULAR HYPOPLASIA, SYNDROMATIC; JAG1-Related Alagille Syndrome; Alagille Syndrome 1. Identifiers: Orphanet 261619, Orphanet 52, MedGen C1956125, MONDO:0016862, OMIM 118450.

Submission:

Labcorp Genetics (formerly Invitae), Labcorp
Classification: Uncertain significance for Alagille syndrome due to a JAG1 point mutation. Last evaluated: 2025-12-03. Review status: criteria provided, single submitter. Criteria: Invitae Variant Classification Sherloc (09022015). Collection method: clinical testing. Allele origin: germline.
Comment: This sequence change falls in intron 13 of the JAG1 gene. It does not directly change the encoded amino acid sequence of the JAG1 protein. It affects a nucleotide within the consensus splice site. This variant is not present in population databases (gnomAD no frequency). This variant has not been reported in the literature in individuals affected with JAG1-related conditions. ClinVar contains an entry for this variant (Variation ID: 468656). Variants that disrupt the consensus splice site are a relatively common cause of aberrant splicing (PMID: 17576681, 9536098). Algorithms developed to predict the effect of sequence changes on RNA splicing suggest that this variant is not likely to affect RNA splicing. In summary, the available evidence is currently insufficient to determine the role of this variant in disease. Therefore, it has been classified as a Variant of Uncertain Significance.

Literature cited by the submitters: PubMed 17576681; PubMed 9536098.